The following is an entry in ClinVar:

ClinVar aggregate classification (germline): Uncertain significance (1 of 4 stars; one submission).

Conditions:
Inborn genetic diseases. Identifiers: MedGen C0950123, MeSH D030342.

gnomAD v4.1: 2 of 1,614,176 alleles (0.00012%); highest among the groups gnomAD compares: Non-Finnish European, 0.00017%; no homozygotes.

Submission:

Ambry Genetics
Classification: Uncertain significance for Inborn genetic diseases. Last evaluated: 2026-05-27. Review status: criteria provided, single submitter. Criteria: Ambry Variant Classification Scheme 2023. Collection method: clinical testing. Allele origin: germline.
Comment: The p.P194L variant (also known as c.581C>T), located in coding exon 5 of the ETV6 gene, results from a C to T substitution at nucleotide position 581. The proline at codon 194 is replaced by leucine, an amino acid with similar properties. This amino acid position is conserved. In addition, this alteration is predicted to be tolerated by in silico analysis. Based on the available evidence, the clinical significance of this variant remains unclear.

NM_001987.5(ETV6):c.581C>T (p.Pro194Leu)

Gene: ETV6 (ETS variant transcription factor 6; plus strand). Cytogenetic location: 12p13.2.
Variant type: single nucleotide variant.
Coding change: c.581C>T on transcript NM_001987.5 (MANE Select); coding-DNA position 581, C replaced by T.
Protein change: p.Pro194Leu; replaces proline 194 with leucine.
Molecular consequence: missense variant.
Genome position (GRCh38, 1-based): chr12:11,869,541, C>T. VCF-style: chr12-11869541-C-T. GRCh37 (hg19) VCF-style: chr12-12022475-C-T.
Other names: c.578C>T, p.Pro193Leu (NM_001413913.1); c.554C>T, p.Pro185Leu (NM_001413914.1); c.317C>T, p.Pro106Leu (NM_001413915.1); c.581C>T, p.Pro194Leu (NM_001413916.1, NM_001413917.1); short protein forms P106L, P185L, P193L, P194L.
Identifiers: ClinVar variation 4870681 (VCV004870681.1).